The following is an entry in ClinVar:

ClinVar aggregate classification (germline): Conflicting classifications of pathogenicity. Review status: criteria provided, conflicting classifications (1 of 4 stars). 3 submissions from 3 submitters: Uncertain significance (1); Benign (1); Likely benign (1). Last evaluated 2026-01-23.

Conditions:
X-linked lymphoproliferative disease due to XIAP deficiency. Also called: XIAP DEFICIENCY; XIAP-Related Lymphoproliferative Disease, X-Linked. Identifiers: Orphanet 2442, Orphanet 538934, MedGen C1845076, MONDO:0010385, OMIM 300635.

Allele frequency attached by ClinVar (database versions not stated): ExAC 0.00002; gnomAD exomes 0.00003 and 0.00006; gnomAD 0.00005; TOPMed 0.00005.
gnomAD v4.1: 74 of 1,210,133 alleles (0.0061%); highest among the groups gnomAD compares: Non-Finnish European, 0.0077%; no homozygotes.

Submissions (8):

Labcorp Genetics (formerly Invitae), Labcorp
Classification: Benign for X-linked lymphoproliferative disease due to XIAP deficiency. Last evaluated: 2026-01-23. Review status: criteria provided, single submitter. Criteria: Invitae Variant Classification Sherloc (09022015). Collection method: clinical testing. Allele origin: germline.

GeneDx
Classification: Uncertain significance. Last evaluated: 2024-12-04. Review status: criteria provided, single submitter. Criteria: GeneDx Variant Classification Process June 2021. Collection method: clinical testing. Allele origin: germline. Affected: yes.
Comment: In silico analysis supports that this missense variant has a deleterious effect on protein structure/function; This variant is associated with the following publications: (PMID: 34426522, 24572142, 29501442, 34920033)

Blueprint Genetics
Classification: Likely benign. Last evaluated: 2024-06-13. Review status: criteria provided, single submitter. Criteria: ACMG Guidelines, 2015. Collection method: clinical testing. Allele origin: germline.

Dr. Peter K. Rogan Lab, Western University
No classification provided (evidence only). Condition: Thyroid cancer, nonmedullary, 1. Review status: no classification provided. Collection method: in vitro. Allele origin: not applicable. Functional consequence: retained intron. Not counted in ClinVar's aggregate classification.

Dr. Peter K. Rogan Lab, Western University
No classification provided (evidence only). Condition: Thyroid cancer, nonmedullary, 1. Review status: no classification provided. Collection method: in vitro. Allele origin: not applicable. Functional consequence: skipped exon. Not counted in ClinVar's aggregate classification.

Dr. Peter K. Rogan Lab, Western University
No classification provided (evidence only). Condition: Thyroid cancer, nonmedullary, 1. Review status: no classification provided. Collection method: in vitro. Allele origin: not applicable. Functional consequence: retained intron. Not counted in ClinVar's aggregate classification.

Dr. Peter K. Rogan Lab, Western University
No classification provided (evidence only). Condition: Thyroid cancer, nonmedullary, 1. Review status: no classification provided. Collection method: in vitro. Allele origin: not applicable. Functional consequence: retained intron. Not counted in ClinVar's aggregate classification.

Dr. Peter K. Rogan Lab, Western University
No classification provided (evidence only). Condition: Thyroid cancer, nonmedullary, 1. Review status: no classification provided. Collection method: in vitro. Allele origin: not applicable. Functional consequence: skipped exon, retained intron. Not counted in ClinVar's aggregate classification.

NM_001167.4(XIAP):c.115G>T (p.Gly39Cys)

Gene: XIAP (X-linked inhibitor of apoptosis; plus strand). Cytogenetic location: Xq25.
Variant type: single nucleotide variant.
Coding change: c.115G>T on transcript NM_001167.4 (MANE Select); coding-DNA position 115, G replaced by T.
Protein change: p.Gly39Cys; replaces glycine 39 with cysteine.
Molecular consequence: missense variant.
Genome position (GRCh38, 1-based): chrX:123,885,777, G>T. VCF-style: chrX-123885777-G-T. GRCh37 (hg19) VCF-style: chrX-123019627-G-T.
Other names: c.115G>T, p.Gly39Cys (NM_001204401.2, NM_001378590.1, NM_001378591.1 and 1 more transcripts); short protein forms G39C.
Identifiers: ClinVar variation 742434 (VCV000742434.13), dbSNP rs775237858, ClinGen allele CA10507994.